The following is an entry in ClinVar:

ClinVar aggregate classification (germline): Uncertain significance. Review status: criteria provided, multiple submitters, no conflicts (2 of 4 stars). 2 submissions from 2 submitters: Uncertain significance (2). Last evaluated 2025-03-27.

Conditions:
Hereditary cancer-predisposing syndrome. Also called: Neoplastic Syndromes, Hereditary; Tumor predisposition; Hereditary Cancer Syndrome; Hereditary neoplastic syndrome. Identifiers: Orphanet 140162, MedGen C0027672, MeSH D009386, MONDO:0015356.
Oligodontia-cancer predisposition syndrome. Also called: TOOTH AGENESIS-COLORECTAL CANCER SYNDROME. Identifiers: Orphanet 300576, MedGen C1837750, MONDO:0012075, OMIM 608615. Disease mechanism: loss of function.

Submissions (2):

Labcorp Genetics (formerly Invitae), Labcorp
Classification: Uncertain significance for Oligodontia-cancer predisposition syndrome. Last evaluated: 2025-03-27. Review status: criteria provided, single submitter. Criteria: Invitae Variant Classification Sherloc (09022015). Collection method: clinical testing. Allele origin: germline.
Comment: This sequence change replaces phenylalanine, which is neutral and non-polar, with leucine, which is neutral and non-polar, at codon 95 of the AXIN2 protein (p.Phe95Leu). This variant is not present in population databases (gnomAD no frequency). This variant has not been reported in the literature in individuals affected with AXIN2-related conditions. ClinVar contains an entry for this variant (Variation ID: 464616). Invitae Evidence Modeling of protein sequence and biophysical properties (such as structural, functional, and spatial information, amino acid conservation, physicochemical variation, residue mobility, and thermodynamic stability) indicates that this missense variant is expected to disrupt AXIN2 protein function with a positive predictive value of 80%. In summary, the available evidence is currently insufficient to determine the role of this variant in disease. Therefore, it has been classified as a Variant of Uncertain Significance.

Ambry Genetics
Classification: Uncertain significance for Hereditary cancer-predisposing syndrome. Last evaluated: 2024-02-16. Review status: criteria provided, single submitter. Criteria: Ambry Variant Classification Scheme 2023. Collection method: clinical testing. Allele origin: germline.
Comment: The p.F95L variant (also known as c.285C>A), located in coding exon 1 of the AXIN2 gene, results from a C to A substitution at nucleotide position 285. The phenylalanine at codon 95 is replaced by leucine, an amino acid with highly similar properties. This amino acid position is conserved. In addition, this alteration is predicted to be deleterious by in silico analysis. Based on the available evidence, the clinical significance of this alteration remains unclear.

NM_004655.4(AXIN2):c.285C>A (p.Phe95Leu)

Gene: AXIN2 (axin 2; minus strand). Cytogenetic location: 17q24.1.
Variant type: single nucleotide variant.
Coding change: c.285C>A on transcript NM_004655.4 (MANE Select); coding-DNA position 285, C replaced by A.
Protein change: p.Phe95Leu; replaces phenylalanine 95 with leucine.
Molecular consequence: missense variant.
Genome position (GRCh38, 1-based): chr17:65,558,336, G>T on the plus strand (C>A on the coding strand, the complement: AXIN2 is on the minus strand). VCF-style: chr17-65558336-G-T. GRCh37 (hg19) VCF-style: chr17-63554454-G-T.
Other names: c.285C>A, p.Phe95Leu (NM_001363813.1); c.285C>A (LRG_296t1); short protein forms F95L.
Identifiers: ClinVar variation 464616 (VCV000464616.11), dbSNP rs1555583568, ClinGen allele CA400681737.